The following is an entry in ClinVar:

NM_001388303.1(HECTD4):c.3631A>G (p.Met1211Val)

Gene: HECTD4 (HECT domain E3 ubiquitin protein ligase 4; minus strand). Cytogenetic location: 12q24.13.
Variant type: single nucleotide variant.
Coding change: c.3631A>G on transcript NM_001388303.1 (MANE Select); coding-DNA position 3631, A replaced by G.
Protein change: p.Met1211Val; replaces methionine 1211 with valine.
Molecular consequence: missense variant.
Genome position (GRCh38, 1-based): chr12:112,251,056, T>C on the plus strand (A>G on the coding strand, the complement: HECTD4 is on the minus strand). VCF-style: chr12-112251056-T-C. GRCh37 (hg19) VCF-style: chr12-112688860-T-C.
Other names: c.3661A>G, p.Met1221Val (NM_001109662.4); short protein forms M1211V, M1221V.
Identifiers: ClinVar variation 5005039 (VCV005005039.2).
Genomic context (GRCh38, chr12:112,251,056, plus strand): 5'-GCTCCTGACAGGCTTCTTCTTCTTTGGTAATTTCTGGTCCATTGTACAGGATTCTTAACA[T>C]GGAACAAGCTAACACAGACAGACCTAAAGCCAGGTCTACCAGAAAGGGCAAGCCTCCTGA-3'
Protein context (NP_001375232.1, residues 1201-1221): ALGLSVLACS[Met1211Val]LRILYNGPEI

ClinVar aggregate classification (germline): Uncertain significance (1 of 4 stars; one submission).

Conditions:
Neurodevelopmental disorder with seizures, spasticity, and complete or partial agenesis of the corpus callosum (NEDSSCC). Identifiers: MedGen C5830296, MONDO:0859516, OMIM 620250.

Submission:

Juno Genomics, Hangzhou Juno Genomics, Inc
Classification: Uncertain significance for Neurodevelopmental disorder with seizures, spasticity, and complete or partial agenesis of the corpus callosum. Review status: criteria provided, single submitter. Criteria: ACMG Guidelines, 2015. Collection method: clinical testing. Allele origin: germline.
Comment: Absent from controls (or at extremely low frequency if recessive) in Genome Aggregation Database.;Missense variant in a gene that has a low rate of benign missense variation.